The following is an entry in ClinVar:

ClinVar aggregate classification (germline): Uncertain significance (1 of 4 stars; one submission).

Submission:

Ambry Genetics
Classification: Uncertain significance. Last evaluated: 2025-01-13. Review status: criteria provided, single submitter. Criteria: Ambry Variant Classification Scheme 2023. Collection method: clinical testing. Allele origin: germline.
Comment: The p.P1002L variant (also known as c.3005C>T), located in coding exon 11 of the WNK2 gene, results from a C to T substitution at nucleotide position 3005. The proline at codon 1002 is replaced by leucine, an amino acid with similar properties. This amino acid position is conserved. In addition, this alteration is predicted to be tolerated by in silico analysis. Based on the available evidence, the clinical significance of this variant remains unclear.

NM_006648.4(WNK2):c.3005C>T (p.Pro1002Leu)

Gene: WNK2 (WNK lysine deficient protein kinase 2; plus strand). Cytogenetic location: 9q22.31.
Variant type: single nucleotide variant.
Coding change: c.3005C>T on transcript NM_006648.4 (MANE Select); coding-DNA position 3005, C replaced by T.
Protein change: p.Pro1002Leu; replaces proline 1002 with leucine.
Molecular consequence: missense variant.
Genome position (GRCh38, 1-based): chr9:93,259,553, C>T. VCF-style: chr9-93259553-C-T. GRCh37 (hg19) VCF-style: chr9-96021835-C-T.
Other names: c.3005C>T, p.Pro1002Leu (NM_001282394.3); short protein forms P1002L.
Identifiers: ClinVar variation 3816821 (VCV003816821.1).
Genomic context (GRCh38, chr9:93,259,553, plus strand): 5'-CGCAACCCATGCTGCCCCCACAACCTGTGCTGCCCCCGCAGCCGGCACTGCCTGTGCGCC[C>T]TGAGCCCCTCCAGCCCCACCTTCCTGAACAAGCTGCTCCAGCTGCTACACCAGGGAGCCA-3'
Protein context (NP_006639.3, residues 992-1012): LPPQPALPVR[Pro1002Leu]EPLQPHLPEQ